The following is an entry in ClinVar:

ClinVar aggregate classification (germline): Uncertain significance (1 of 4 stars; one submission).

Submission:

Labcorp Genetics (formerly Invitae), Labcorp
Classification: Uncertain significance. Last evaluated: 2024-10-03. Review status: criteria provided, single submitter. Criteria: Invitae Variant Classification Sherloc (09022015). Collection method: clinical testing. Allele origin: germline.
Comment: This sequence change replaces alanine, which is neutral and non-polar, with serine, which is neutral and polar, at codon 92 of the PDGFB protein (p.Ala92Ser). This variant is not present in population databases (gnomAD no frequency). This variant has not been reported in the literature in individuals affected with PDGFB-related conditions. Invitae Evidence Modeling of protein sequence and biophysical properties (such as structural, functional, and spatial information, amino acid conservation, physicochemical variation, residue mobility, and thermodynamic stability) indicates that this missense variant is expected to disrupt PDGFB protein function with a positive predictive value of 80%. In summary, the available evidence is currently insufficient to determine the role of this variant in disease. Therefore, it has been classified as a Variant of Uncertain Significance.

NM_002608.4(PDGFB):c.274G>T (p.Ala92Ser)

Gene: PDGFB (platelet derived growth factor subunit B; minus strand). Cytogenetic location: 22q13.1.
Variant type: single nucleotide variant.
Coding change: c.274G>T on transcript NM_002608.4 (MANE Select); coding-DNA position 274, G replaced by T.
Protein change: p.Ala92Ser; replaces alanine 92 with serine.
Molecular consequence: missense variant.
Genome position (GRCh38, 1-based): chr22:39,231,804, C>A on the plus strand (G>T on the coding strand, the complement: PDGFB is on the minus strand). VCF-style: chr22-39231804-C-A. GRCh37 (hg19) VCF-style: chr22-39627809-C-A.
Other names: c.229G>T, p.Ala77Ser (NM_033016.3); short protein forms A77S, A92S.
Identifiers: ClinVar variation 2785932 (VCV002785932.3), dbSNP rs2517762224, ClinGen allele CA411601123.